The following is an entry in ClinVar:

NM_001349253.2(SCN11A):c.4328G>T (p.Ser1443Ile)

Gene: SCN11A (sodium voltage-gated channel alpha subunit 11; minus strand). Cytogenetic location: 3p22.2.
Variant type: single nucleotide variant.
Coding change: c.4328G>T on transcript NM_001349253.2 (MANE Select); coding-DNA position 4328, G replaced by T.
Protein change: p.Ser1443Ile; replaces serine 1443 with isoleucine.
Molecular consequence: missense variant.
Genome position (GRCh38, 1-based): chr3:38,847,742, C>A on the plus strand (G>T on the coding strand, the complement: SCN11A is on the minus strand). VCF-style: chr3-38847742-C-A. GRCh37 (hg19) VCF-style: chr3-38889233-C-A.
Other names: c.4328G>T, p.Ser1443Ile (NM_014139.3); c.4328G>T (NM_014139.2); short protein forms S1443I.
Identifiers: ClinVar variation 1419962 (VCV001419962.7), dbSNP rs1276486872, ClinGen allele CA352164313.

ClinVar aggregate classification (germline): Uncertain significance. Review status: criteria provided, multiple submitters, no conflicts (2 of 4 stars). 2 submissions from 2 submitters: Uncertain significance (2). Last evaluated 2026-03-04.

Conditions:
Hereditary sensory and autonomic neuropathy type 7. Also called: HSAN VII; Neuropathy, hereditary sensory and autonomic, type VII. Identifiers: Orphanet 391397, MedGen C3809882, MONDO:0014244, OMIM 615548.
Familial episodic pain syndrome with predominantly lower limb involvement. Also called: Episodic pain syndrome, familial, 3. Identifiers: Orphanet 391384, Orphanet 391392, MedGen C3809899, MONDO:0014247, OMIM 615552.
SCN11A-related disorder. Also called: SCN11A-related condition.

Allele frequency attached by ClinVar (database versions not stated): gnomAD 0.00001 and 0.00002; gnomAD exomes 0.00001.
gnomAD v4.1: 3 of 1,569,068 alleles (0.00019%); highest among the groups gnomAD compares: African/African-American, 0.0014%; no homozygotes.

Submissions (2):

PreventionGenetics, part of Exact Sciences
Classification: Uncertain significance for SCN11A-related condition. Last evaluated: 2026-03-04. Review status: criteria provided, single submitter. Criteria: ACMG Guidelines, 2015. Collection method: clinical testing. Allele origin: germline.
Comment: The SCN11A c.4328G>T variant is predicted to result in the amino acid substitution p.Ser1443Ile. To our knowledge, this variant has not been reported in the literature. This variant is reported in 0.0019% of alleles in individuals of European (Non-Finnish) descent in gnomAD. At this time, the clinical significance of this variant is uncertain due to the absence of conclusive functional and genetic evidence.

Labcorp Genetics (formerly Invitae), Labcorp
Classification: Uncertain significance for Familial episodic pain syndrome with predominantly lower limb involvement; Hereditary sensory and autonomic neuropathy type 7. Last evaluated: 2021-05-12. Review status: criteria provided, single submitter. Criteria: Invitae Variant Classification Sherloc (09022015). Collection method: clinical testing. Allele origin: germline.
Comment: Algorithms developed to predict the effect of sequence changes on RNA splicing suggest that this variant may disrupt the consensus splice site, but this prediction has not been confirmed by published transcriptional studies. In summary, the available evidence is currently insufficient to determine the role of this variant in disease. Therefore, it has been classified as a Variant of Uncertain Significance. Algorithms developed to predict the effect of missense changes on protein structure and function (SIFT, PolyPhen-2, Align-GVGD) all suggest that this variant is likely to be disruptive, but these predictions have not been confirmed by published functional studies and their clinical significance is uncertain. This variant has not been reported in the literature in individuals with SCN11A-related conditions. This variant is not present in population databases (ExAC no frequency). This sequence change replaces serine with isoleucine at codon 1443 of the SCN11A protein (p.Ser1443Ile). The serine residue is highly conserved and there is a large physicochemical difference between serine and isoleucine.